The following is an entry in ClinVar:

NM_001243133.2(NLRP3):c.2087G>T (p.Gly696Val)

Gene: NLRP3 (NLR family pyrin domain containing 3; plus strand). Cytogenetic location: 1q44.
Variant type: single nucleotide variant.
Coding change: c.2087G>T on transcript NM_001243133.2 (MANE Select); coding-DNA position 2087, G replaced by T.
Protein change: p.Gly696Val; replaces glycine 696 with valine.
Molecular consequence: missense variant.
Genome position (GRCh38, 1-based): chr1:247,425,536, G>T. VCF-style: chr1-247425536-G-T. GRCh37 (hg19) VCF-style: chr1-247588838-G-T.
Other names: c.2087G>T, p.Gly696Val (NM_001079821.3, NM_001127461.3, NM_001127462.3 and 1 more transcripts); c.2093G>T, p.Gly698Val (NM_004895.5); short protein forms G696V, G698V.
Identifiers: ClinVar variation 1723816 (VCV001723816.3), dbSNP rs200483614, ClinGen allele CA345558641.

ClinVar aggregate classification (germline): Uncertain significance. Review status: criteria provided, multiple submitters, no conflicts (2 of 4 stars). 2 submissions from 2 submitters: Uncertain significance (2). Last evaluated 2024-11-04.

Allele frequency attached by ClinVar (database versions not stated): gnomAD exomes below 0.00001.
gnomAD v4.1: 1 of 1,613,494 alleles (0.000062%); highest among the groups gnomAD compares: Non-Finnish European, 0.000085%; no homozygotes.

Submissions (2):

ARUP Laboratories, Molecular Genetics and Genomics, ARUP Laboratories
Classification: Uncertain significance. Last evaluated: 2024-11-04. Review status: criteria provided, single submitter. Criteria: ARUP Molecular Germline Variant Investigation Process 2024. Collection method: clinical testing. Allele origin: germline.
Comment: The NLRP3 c.2093G>T; p.Gly698Val variant, to our knowledge, is not reported in the medical literature but is reported in ClinVar (Variation ID: 1723816). This variant is also absent from the Genome Aggregation Database (v2.1.1), indicating it is not a common polymorphism. Computational analyses are uncertain whether this variant is neutral or deleterious (REVEL: 0.310). Due to limited information, the clinical significance of this variant is uncertain at this time.

GeneDx
Classification: Uncertain significance. Last evaluated: 2022-05-12. Review status: criteria provided, single submitter. Criteria: GeneDx Variant Classification Process June 2021. Collection method: clinical testing. Allele origin: germline. Affected: yes.
Comment: Not observed at significant frequency in large population cohorts (gnomAD); In silico analysis supports that this missense variant does not alter protein structure/function; Has not been previously published as pathogenic or benign to our knowledge; Also known as G696V